The following is an entry in ClinVar:

NM_001927.4(DES):c.571A>G (p.Lys191Glu)

Gene: DES (desmin; plus strand). Cytogenetic location: 2q35.
Variant type: single nucleotide variant.
Coding change: c.571A>G on transcript NM_001927.4 (MANE Select); coding-DNA position 571, A replaced by G.
Protein change: p.Lys191Glu; replaces lysine 191 with glutamic acid.
Molecular consequence: missense variant. On other transcripts: intron variant (1).
Genome position (GRCh38, 1-based): chr2:219,419,033, A>G. VCF-style: chr2-219419033-A-G. GRCh37 (hg19) VCF-style: chr2-220283755-A-G.
Other names: c.571A>G (NM_001927.3); c.571A>G, p.Lys191Glu (NM_001382708.1, NM_001382709.1, NM_001382710.1 and 2 more transcripts); c.495+76A>G (NM_001382713.1); short protein forms K191E.
Identifiers: ClinVar variation 1063533 (VCV001063533.11), dbSNP rs1483093429, ClinGen allele CA350687182.

ClinVar aggregate classification (germline): Uncertain significance. Review status: criteria provided, multiple submitters, no conflicts (2 of 4 stars). 2 submissions from 2 submitters: Uncertain significance (2). Last evaluated 2026-01-14.

Conditions:
Desmin-related myofibrillar myopathy (MFM1). Also called: Desminopathy; MYOFIBRILLAR MYOPATHY WITH ARRHYTHMOGENIC RIGHT VENTRICULAR CARDIOMYOPATHY; DESMIN-RELATED MYOPATHY WITH ARRHYTHMOGENIC RIGHT VENTRICULAR CARDIOMYOPATHY; Myofibrillar myopathy 1; Desmin related myopathy (former name); Desmin storage myopathy (former name). Identifiers: Orphanet 363543, Orphanet 98909, MedGen C1832370, MONDO:0011076, OMIM 601419.

Allele frequency attached by ClinVar (database versions not stated): gnomAD 0.00001; TOPMed 0.00001.
gnomAD v4.1: 1 of 1,540,810 alleles (0.000065%); highest among the groups gnomAD compares: African/African-American, 0.0014%; no homozygotes.

Submissions (2):

Labcorp Genetics (formerly Invitae), Labcorp
Classification: Uncertain significance for Desmin-related myofibrillar myopathy. Last evaluated: 2026-01-14. Review status: criteria provided, single submitter. Criteria: Invitae Variant Classification Sherloc (09022015). Collection method: clinical testing. Allele origin: germline.
Comment: This sequence change replaces lysine, which is basic and polar, with glutamic acid, which is acidic and polar, at codon 191 of the DES protein (p.Lys191Glu). This variant is not present in population databases (gnomAD no frequency). This variant has not been reported in the literature in individuals affected with DES-related conditions. ClinVar contains an entry for this variant (Variation ID: 1063533). Invitae Evidence Modeling of protein sequence and biophysical properties (such as structural, functional, and spatial information, amino acid conservation, physicochemical variation, residue mobility, and thermodynamic stability) has been performed for this missense variant. However, the output from this modeling did not meet the statistical confidence thresholds required to predict the impact of this variant on DES protein function. In summary, the available evidence is currently insufficient to determine the role of this variant in disease. Therefore, it has been classified as a Variant of Uncertain Significance.

GeneDx
Classification: Uncertain significance. Last evaluated: 2023-06-27. Review status: criteria provided, single submitter. Criteria: GeneDx Variant Classification Process June 2021. Collection method: clinical testing. Allele origin: germline. Affected: yes.
Comment: Not observed at significant frequency in large population cohorts (gnomAD); In silico analysis supports that this missense variant has a deleterious effect on protein structure/function; Has not been previously published as pathogenic or benign to our knowledge